The following is an entry in ClinVar:

NM_023110.3(FGFR1):c.1051C>T (p.His351Tyr)

Gene: FGFR1 (fibroblast growth factor receptor 1; minus strand). Cytogenetic location: 8p11.23.
Variant type: single nucleotide variant.
Coding change: c.1051C>T on transcript NM_023110.3 (MANE Select); coding-DNA position 1051, C replaced by T.
Protein change: p.His351Tyr; replaces histidine 351 with tyrosine.
Molecular consequence: missense variant.
Genome position (GRCh38, 1-based): chr8:38,421,827, G>A on the plus strand (C>T on the coding strand, the complement: FGFR1 is on the minus strand). VCF-style: chr8-38421827-G-A. GRCh37 (hg19) VCF-style: chr8-38279345-G-A.
Other names: c.1051C>T, p.His351Tyr (NM_001174063.2); c.1027C>T, p.His343Tyr (NM_001174064.2); c.1045C>T, p.His349Tyr (NM_001174065.2, NM_001354367.2, NM_001354369.2 and 2 more transcripts); c.784C>T, p.His262Tyr (NM_001174066.2, NM_023105.3); c.1144C>T, p.His382Tyr (NM_001174067.2); c.778C>T, p.His260Tyr (NM_001354368.2, NM_001354370.2, NM_023106.3); short protein forms H260Y, H262Y, H343Y, H349Y, H351Y, H382Y.
Identifiers: ClinVar variation 3375548 (VCV003375548.2).
Genomic context (GRCh38, chr8:38,421,827, plus strand): 5'-GACATCGAGAGGAGAAGTTACAGTGTGTACCTTCCAGAACGGTCAACCATGCAGAGTGAT[G>A]GGAGAGTCCGATAGAGTTACCCGCCAAGCACGTATACTCCCCTGCGTCCTCAAAGGAGAC-3'
Protein context (NP_075598.2, residues 341-361): CLAGNSIGLS[His351Tyr]HSAWLTVLEA

ClinVar aggregate classification (germline): Uncertain significance. Review status: criteria provided, multiple submitters, no conflicts (2 of 4 stars). 2 submissions from 2 submitters: Uncertain significance (2). Last evaluated 2024-12-20.

gnomAD v4.1: 3 of 1,613,992 alleles (0.00019%); highest among the groups gnomAD compares: Admixed American, 0.005%; no homozygotes.

Submissions (2):

ARUP Laboratories, Molecular Genetics and Genomics, ARUP Laboratories
Classification: Uncertain significance. Last evaluated: 2024-12-20. Review status: criteria provided, single submitter. Criteria: ARUP Molecular Germline Variant Investigation Process 2024. Collection method: clinical testing. Allele origin: germline.
Comment: The FGFR1 c.1051C>T; p.His351Tyr variant (rs1310331035), to our knowledge, is not reported in the medical literature or gene specific databases. This variant is found in the Admixed American population with an overall allele frequency of 0.006% (2/34,542 alleles) in the Genome Aggregation Database (v2.1.1). Computational analyses predict that this variant is neutral (REVEL: 0.105). However, given the lack of clinical and functional data, the significance of this variant is uncertain at this time.

GeneDx
Classification: Uncertain significance. Last evaluated: 2024-05-07. Review status: criteria provided, single submitter. Criteria: GeneDx Variant Classification Process June 2021. Collection method: clinical testing. Allele origin: germline. Affected: yes.
Comment: In silico analysis indicates that this missense variant does not alter protein structure/function; Has not been previously published as pathogenic or benign to our knowledge